The following is an entry in ClinVar:

NM_000179.3(MSH6):c.1882T>C (p.Trp628Arg)

Gene: MSH6 (mutS homolog 6; plus strand). Cytogenetic location: 2p16.3.
Variant type: single nucleotide variant.
Coding change: c.1882T>C on transcript NM_000179.3 (MANE Select); coding-DNA position 1882, T replaced by C.
Protein change: p.Trp628Arg; replaces tryptophan 628 with arginine.
Molecular consequence: missense variant.
Genome position (GRCh38, 1-based): chr2:47,799,865, T>C. VCF-style: chr2-47799865-T-C. GRCh37 (hg19) VCF-style: chr2-48027004-T-C.
Other names: c.1492T>C, p.Trp498Arg (NM_001281492.2); c.976T>C, p.Trp326Arg (NM_001281493.2, NM_001281494.2); c.1882T>C (NM_000179.2); short protein forms W498R, W326R, W628R.
Identifiers: ClinVar variation 1506328 (VCV001506328.8), dbSNP rs1669388132, ClinGen allele CA346749974.

ClinVar aggregate classification (germline): Uncertain significance. Review status: criteria provided, multiple submitters, no conflicts (2 of 4 stars). 3 submissions from 3 submitters: Uncertain significance (3). Last evaluated 2025-06-06.

Conditions:
Hereditary nonpolyposis colorectal neoplasms. Identifiers: MedGen C0009405, MeSH D003123.
Hereditary cancer-predisposing syndrome. Also called: Hereditary neoplastic syndrome; Tumor predisposition; Neoplastic Syndromes, Hereditary; Hereditary Cancer Syndrome. Identifiers: Orphanet 140162, MedGen C0027672, MeSH D009386, MONDO:0015356.

Submissions (3):

Ambry Genetics
Classification: Uncertain significance for Hereditary cancer-predisposing syndrome. Last evaluated: 2025-06-06. Review status: criteria provided, single submitter. Criteria: Ambry Variant Classification Scheme 2023. Collection method: clinical testing. Allele origin: germline.
Comment: The p.W628R variant (also known as c.1882T>C), located in coding exon 4 of the MSH6 gene, results from a T to C substitution at nucleotide position 1882. The tryptophan at codon 628 is replaced by arginine, an amino acid with dissimilar properties. This amino acid position is highly conserved in available vertebrate species. In addition, this alteration is predicted to be deleterious by in silico analysis. Based on the available evidence, the clinical significance of this variant remains unclear.

Labcorp Genetics (formerly Invitae), Labcorp
Classification: Uncertain significance for Hereditary nonpolyposis colorectal neoplasms. Last evaluated: 2023-09-19. Review status: criteria provided, single submitter. Criteria: Invitae Variant Classification Sherloc (09022015). Collection method: clinical testing. Allele origin: germline.
Comment: In summary, the available evidence is currently insufficient to determine the role of this variant in disease. Therefore, it has been classified as a Variant of Uncertain Significance. Advanced modeling of protein sequence and biophysical properties (such as structural, functional, and spatial information, amino acid conservation, physicochemical variation, residue mobility, and thermodynamic stability) has been performed at Invitae for this missense variant, however the output from this modeling did not meet the statistical confidence thresholds required to predict the impact of this variant on MSH6 protein function. ClinVar contains an entry for this variant (Variation ID: 1506328). This variant has not been reported in the literature in individuals affected with MSH6-related conditions. This variant is not present in population databases (gnomAD no frequency). This sequence change replaces tryptophan, which is neutral and slightly polar, with arginine, which is basic and polar, at codon 628 of the MSH6 protein (p.Trp628Arg).

Quest Diagnostics Nichols Institute San Juan Capistrano
Classification: Uncertain significance. Last evaluated: 2023-08-18. Review status: criteria provided, single submitter. Criteria: Quest Diagnostics criteria. Collection method: clinical testing. Allele origin: unknown.
Comment: This variant has not been reported in individuals with MSH6-related conditions in the published literature. It also has not been reported in large, multi-ethnic general populations (Genome Aggregation Database). Analysis of this variant using bioinformatics tools for the prediction of the effect of amino acid changes on protein structure and function yielded conflicting predictions that this variant is benign or damaging. Based on the available information, we are unable to determine the clinical significance of this variant.